The following is an entry in ClinVar:

ClinVar aggregate classification (germline): Conflicting classifications of pathogenicity. Review status: criteria provided, conflicting classifications (1 of 4 stars). 8 submissions from 8 submitters: Uncertain significance (5); Likely benign (1). 2 of the submissions do not count toward it. Last evaluated 2026-03-05.

Conditions:
RYR1-related disorder. Also called: RYR1-related disorders; RYR1-related condition. Identifiers: MedGen CN239331.
Malignant hyperthermia, susceptibility to, 1 (MHS1). Also called: Anesthesia related hyperthermia; Malignant hyperpyrexia; Fulminating hyperpyrexia; Pharmacogenic myopathy; RYR1-Related Malignant Hyperthermia Susceptibility; Malignant hyperthermia suceptibility 1. Identifiers: Orphanet 423, MedGen C2930980, MONDO:0007783, OMIM 145600.
Inborn genetic diseases. Identifiers: MedGen C0950123, MeSH D030342.

Allele frequency attached by ClinVar (database versions not stated): gnomAD 0.00001; TOPMed 0.00003; gnomAD exomes 0.00004; ExAC 0.00007.
gnomAD v4.1: 67 of 1,613,864 alleles (0.0042%); highest among the groups gnomAD compares: Non-Finnish European, 0.0047%; no homozygotes.

Submissions (8):

Women's Health and Genetics/Laboratory Corporation of America, LabCorp
Classification: Uncertain significance. Last evaluated: 2026-03-05. Review status: criteria provided, single submitter. Criteria: LabCorp Variant Classification Summary - May 2015. Collection method: clinical testing. Allele origin: germline.
Comment: Variant summary: RYR1 c.12251G>A (p.Arg4084His) results in a non-conservative amino acid change in the encoded protein sequence. Algorithms developed to predict the effect of missense changes on protein structure and function all suggest that this variant is likely to be disruptive. The variant allele was found at a frequency of 4.4e-05 in 251476 control chromosomes. This frequency is not significantly higher than estimated for disease-causing variants in RYR1, allowing no conclusion about variant significance. To our knowledge, no occurrence of c.12251G>A in individuals affected with RYR1-related conditions and no experimental evidence demonstrating its impact on protein function have been reported. ClinVar contains an entry for this variant (Variation ID: 374973). Based on the evidence outlined above, the variant was classified as uncertain significance.

Labcorp Genetics (formerly Invitae), Labcorp
Classification: Likely benign for RYR1-related disorder. Last evaluated: 2025-06-12. Review status: criteria provided, single submitter. Criteria: Invitae Variant Classification Sherloc (09022015). Collection method: clinical testing. Allele origin: germline.

GeneDx
Classification: Uncertain significance. Last evaluated: 2025-05-14. Review status: criteria provided, single submitter. Criteria: GeneDx Variant Classification Process June 2021. Collection method: clinical testing. Allele origin: germline. Affected: yes.
Comment: Not observed at significant frequency in large population cohorts (gnomAD); In silico analysis supports that this missense variant has a deleterious effect on protein structure/function; Has not been previously published as pathogenic or benign to our knowledge

Ambry Genetics
Classification: Uncertain significance for Inborn genetic diseases. Last evaluated: 2025-04-20. Review status: criteria provided, single submitter. Criteria: Ambry Variant Classification Scheme 2023. Collection method: clinical testing. Allele origin: germline.

All of Us Research Program, National Institutes of Health
Classification: Uncertain significance for Malignant hyperthermia, susceptibility to, 1. Last evaluated: 2024-08-06. Review status: criteria provided, single submitter. Criteria: ACMG Guidelines, 2015. Collection method: clinical testing. Allele origin: germline. Inheritance: Autosomal dominant inheritance. Observed: 5 variant alleles, 5 heterozygotes.
Comment: This missense variant replaces arginine with histidine at codon 4084 of the RYR1 protein. Computational prediction suggests that this variant may not impact protein structure and function (internally defined REVEL score threshold <= 0.5, PMID: 27666373). To our knowledge, functional studies have not been reported for this variant. This variant has not been reported in individuals affected with RYR1-related disorders in the literature. This variant has been identified in 12/282834 chromosomes in the general population by the Genome Aggregation Database (gnomAD). The available evidence is insufficient to determine the role of this variant in disease conclusively. Therefore, this variant is classified as a Variant of Uncertain Significance.

This study involves interpretation of variants in research participants for the purpose of population health screening. Participant phenotype was not available at the time of variant classification. Additional details can be found in publication PMID: 35346344, PMCID: PMC8962531

Color Diagnostics, LLC DBA Color Health
Classification: Uncertain significance for Malignant hyperthermia, susceptibility to, 1. Last evaluated: 2024-01-29. Review status: criteria provided, single submitter. Criteria: ACMG Guidelines, 2015. Collection method: clinical testing. Allele origin: germline.
Comment: This missense variant replaces arginine with histidine at codon 4084 of the RYR1 protein. Computational prediction suggests that this variant may not impact protein structure and function. To our knowledge, functional studies have not been reported for this variant. This variant has not been reported in individuals affected with RYR1-related disorders in the literature. This variant has been identified in 12/282834 chromosomes in the general population by the Genome Aggregation Database (gnomAD). The available evidence is insufficient to determine the role of this variant in disease conclusively. Therefore, this variant is classified as a Variant of Uncertain Significance.

PreventionGenetics, part of Exact Sciences
Classification: Uncertain significance for RYR1-related condition. Last evaluated: 2024-06-14. Review status: no assertion criteria provided. Collection method: clinical testing. Allele origin: germline. Not counted in ClinVar's aggregate classification.
Comment: The RYR1 c.12251G>A variant is predicted to result in the amino acid substitution p.Arg4084His. To our knowledge, this variant has not been reported in the literature. This variant is reported in 0.0080% of alleles in individuals of European (Finnish) descent in gnomAD. At this time, the clinical significance of this variant is uncertain due to the absence of conclusive functional and genetic evidence.

Knight Diagnostic Laboratories, Oregon Health and Sciences University
Classification: Uncertain significance for Malignant hyperthermia, susceptibility to, 1. Last evaluated: 2015-09-26. Review status: no assertion criteria provided. Criteria: ACMG Guidelines, 2015. Collection method: clinical testing. Allele origin: germline. Affected: no. Study: CSER-NextGen. Not counted in ClinVar's aggregate classification.

NM_000540.3(RYR1):c.12251G>A (p.Arg4084His)

Gene: RYR1 (ryanodine receptor 1; plus strand). Cytogenetic location: 19q13.2.
Variant type: single nucleotide variant.
Coding change: c.12251G>A on transcript NM_000540.3 (MANE Select); coding-DNA position 12251, G replaced by A.
Protein change: p.Arg4084His; replaces arginine 4084 with histidine.
Molecular consequence: missense variant.
Genome position (GRCh38, 1-based): chr19:38,548,389, G>A. VCF-style: chr19-38548389-G-A. GRCh37 (hg19) VCF-style: chr19-39039029-G-A.
Other names: c.12236G>A, p.Arg4079His (NM_001042723.2); short protein forms R4084H, R4079H.
Identifiers: ClinVar variation 374973 (VCV000374973.14), dbSNP rs779380542, ClinGen allele CA058522.